The following is an entry in ClinVar:

NM_198129.4(LAMA3):c.8829G>A (p.Arg2943=)

Gene: LAMA3 (laminin subunit alpha 3; plus strand). Cytogenetic location: 18q11.2.
Variant type: single nucleotide variant.
Coding change: c.8829G>A on transcript NM_198129.4 (MANE Select); coding-DNA position 8829, G replaced by A.
Protein change: p.Arg2943=; no amino-acid change (arginine 2943 retained).
Molecular consequence: synonymous variant.
Genome position (GRCh38, 1-based): chr18:23,933,902, G>A. VCF-style: chr18-23933902-G-A. GRCh37 (hg19) VCF-style: chr18-21513866-G-A.
Other names: c.4002G>A, p.Arg1334= (NM_000227.6); c.8661G>A, p.Arg2887= (NM_001127717.4); c.3834G>A, p.Arg1278= (NM_001127718.4).
Identifiers: ClinVar variation 290582 (VCV000290582.24), dbSNP rs141472847, ClinGen allele CA8917012.

ClinVar aggregate classification (germline): Conflicting classifications of pathogenicity. Review status: criteria provided, conflicting classifications (1 of 4 stars). 7 submissions from 6 submitters: Uncertain significance (3); Benign (1); Likely benign (2). 1 of the submissions does not count toward it. Last evaluated 2026-08-01.

Conditions:
Junctional epidermolysis bullosa gravis of Herlitz. Also called: Epidermolysis Bullosa Letalis; EPIDERMOLYSIS BULLOSA, JUNCTIONAL 1B, SEVERE; Herlitz-type junctional epidermolysis bullosa; EPIDERMOLYSIS BULLOSA JUNCTIONALIS, HERLITZ TYPE; EPIDERMOLYSIS BULLOSA, JUNCTIONAL, HERLITZ-PEARSON TYPE; JEB-HERLITZ TYPE. Identifiers: Orphanet 79404, MedGen C0079683, MONDO:0009182, OMIM 226700.
Laryngo-onycho-cutaneous syndrome (JEB2C). Also called: EPIDERMOLYSIS BULLOSA, JUNCTIONAL 2C, LARYNGOONYCHOCUTANEOUS; SHABBIR SYNDROME; LOGIC SYNDROME. Identifiers: Orphanet 2407, MedGen C1328355, MONDO:0009513, OMIM 245660.
LAMA3-related disorder. Also called: LAMA3-related condition; LAMA3-related disorders.

Allele frequency attached by ClinVar (database versions not stated): TOPMed 0.00061; ESP Exome Variant Server 0.00085; gnomAD 0.00094 and 0.00103; gnomAD exomes 0.00096; ExAC 0.00108.
gnomAD v4.1: 1,440 of 1,614,130 alleles (0.089%); highest among the groups gnomAD compares: Non-Finnish European, 0.095%; 5 homozygotes.

Submissions (7):

CeGaT Center for Human Genetics Tuebingen
Classification: Likely benign. Last evaluated: 2026-08-01. Review status: criteria provided, single submitter. Criteria: CeGaT Center For Human Genetics Tuebingen Variant Classification Criteria Version 2. Collection method: clinical testing. Allele origin: germline. Affected: yes. Observed: 1 variant allele.
Comment: LAMA3: BP4

Labcorp Genetics (formerly Invitae), Labcorp
Classification: Benign. Last evaluated: 2026-01-19. Review status: criteria provided, single submitter. Criteria: Invitae Variant Classification Sherloc (09022015). Collection method: clinical testing. Allele origin: germline.

Blueprint Genetics
Classification: Likely benign. Last evaluated: 2024-11-14. Review status: criteria provided, single submitter. Criteria: ACMG Guidelines, 2015. Collection method: clinical testing. Allele origin: germline.

Illumina Laboratory Services, Illumina
Classification: Uncertain significance for Laryngo-onycho-cutaneous syndrome. Last evaluated: 2018-01-12. Review status: criteria provided, single submitter. Criteria: ICSL Variant Classification Criteria 13 December 2019. Collection method: clinical testing. Allele origin: germline.

Illumina Laboratory Services, Illumina
Classification: Uncertain significance for Junctional epidermolysis bullosa gravis of Herlitz. Last evaluated: 2018-01-12. Review status: criteria provided, single submitter. Criteria: ICSL Variant Classification Criteria 13 December 2019. Collection method: clinical testing. Allele origin: germline.

Eurofins Ntd Llc (ga)
Classification: Uncertain significance. Last evaluated: 2016-08-25. Review status: criteria provided, single submitter. Criteria: EGL Classification Definitions 2015. Collection method: clinical testing. Allele origin: germline. Observed: 1 variant allele, 1 heterozygote.

PreventionGenetics, part of Exact Sciences
Classification: Likely benign for LAMA3-related condition. Last evaluated: 2020-05-11. Review status: no assertion criteria provided. Collection method: clinical testing. Allele origin: germline. Not counted in ClinVar's aggregate classification.
Comment: This variant is classified as likely benign based on ACMG/AMP sequence variant interpretation guidelines (Richards et al. 2015 PMID: 25741868, with internal and published modifications).